The following is an entry in ClinVar:

ClinVar aggregate classification (germline): Uncertain significance (1 of 4 stars; one submission).

Conditions:
Neurodevelopmental disorder with dysmorphic facies and distal limb anomalies. Identifiers: Orphanet 686482, MedGen C4540327, MONDO:0060596, OMIM 617755.

Submission:

Mendelics
Classification: Uncertain significance for Neurodevelopmental disorder with dysmorphic facies and distal limb anomalies. Last evaluated: 2026-03-05. Review status: criteria provided, single submitter. Criteria: ACMG Guidelines, 2015. Collection method: clinical testing. Allele origin: unknown.
Comment: The available evidence is insufficient to conclusively determine the role of this variant. Therefore, it is classified as a Variant of Uncertain Significance.

NM_182641.4(BPTF):c.5067A>T (p.Lys1689Asn)

Gene: BPTF (bromodomain PHD finger transcription factor; plus strand). Cytogenetic location: 17q24.2.
Variant type: single nucleotide variant.
Coding change: c.5067A>T on transcript NM_182641.4 (MANE Select); coding-DNA position 5067, A replaced by T.
Protein change: p.Lys1689Asn; replaces lysine 1689 with asparagine.
Molecular consequence: missense variant.
Genome position (GRCh38, 1-based): chr17:67,912,951, A>T. VCF-style: chr17-67912951-A-T. GRCh37 (hg19) VCF-style: chr17-65909067-A-T.
Other names: c.5256A>T, p.Lys1752Asn (NM_001439139.1, NM_001439141.1, NM_001439143.1 and 1 more transcripts); c.5445A>T, p.Lys1815Asn (NM_001439140.1, NM_001439142.1, NM_004459.7); short protein forms K1689N, K1752N, K1815N.
Identifiers: ClinVar variation 4813601 (VCV004813601.1).